The following is an entry in ClinVar:

ClinVar aggregate classification (germline): Uncertain significance. Review status: criteria provided, single submitter (1 of 4 stars). 2 submissions from 2 submitters: Uncertain significance (1). 1 of the submissions does not count toward it. Last evaluated 2021-04-23.

Conditions:
Acroosteolysis-keloid-like lesions-premature aging syndrome. Also called: Progeroid syndrome, Penttinen type; Premature aging syndrome, Penttinen type; Prematurely aged appearance, delayed bone maturation, acro-osteolysis, and brachydactyly. Identifiers: Orphanet 363665, MedGen C1866182, MONDO:0011150, OMIM 601812.
Basal ganglia calcification, idiopathic, 4 (PFBC4). Also called: PRIMARY FAMILIAL BRAIN CALCIFICATION 4, AUTOSOMAL DOMINANT; Familial Idiopathic Basal Ganglia Calcification 4. Identifiers: Orphanet 1980, MedGen C3554321, MONDO:0014004, OMIM 615007.
Skeletal overgrowth-craniofacial dysmorphism-hyperelastic skin-white matter lesions syndrome. Also called: SKELETAL OVERGROWTH WITH FACIAL DYSMORPHISM, HYPERELASTIC SKIN, WHITE MATTER LESIONS, AND NEUROLOGIC DETERIORATION; Kosaki overgrowth syndrome. Identifiers: Orphanet 477831, MedGen C4225270, MONDO:0014704, OMIM 616592.
Infantile myofibromatosis (IMF). Also called: Congenital generalized fibromatosis. Identifiers: Orphanet 2591, MedGen C0432284, MONDO:0016824.
Myofibromatosis, infantile, 1. Also called: Myofibromatosis, juvenile. Identifiers: Orphanet 2591, MedGen C4551572, MONDO:0009227, OMIM 228550.

Allele frequency attached by ClinVar (database versions not stated): ExAC 0.00001; gnomAD exomes 0.00001 and 0.00003; gnomAD 0.00001; TOPMed 0.00001; ESP Exome Variant Server 0.00008.
gnomAD v4.1: 48 of 1,613,942 alleles (0.003%); highest among the groups gnomAD compares: Non-Finnish European, 0.0039%; no homozygotes.

Submissions (2):

Labcorp Genetics (formerly Invitae), Labcorp
Classification: Uncertain significance for Basal ganglia calcification, idiopathic, 4; Skeletal overgrowth-craniofacial dysmorphism-hyperelastic skin-white matter lesions syndrome; Infantile myofibromatosis; Acroosteolysis-keloid-like lesions-premature aging syndrome. Last evaluated: 2021-04-23. Review status: criteria provided, single submitter. Criteria: Invitae Variant Classification Sherloc (09022015). Collection method: clinical testing. Allele origin: germline.
Comment: This sequence change replaces proline with threonine at codon 660 of the PDGFRB protein (p.Pro660Thr). The proline residue is highly conserved and there is a small physicochemical difference between proline and threonine. This variant is present in population databases (rs144050370, ExAC 0.002%). This variant has been observed in individual(s) with infantile myofibromatosis (PMID: 23731542). ClinVar contains an entry for this variant (Variation ID: 55849). Experimental studies have shown that this variant does not substantially affect PDGFRB protein function (PMID: 26455322). In summary, the available evidence is currently insufficient to determine the role of this variant in disease. Therefore, it has been classified as a Variant of Uncertain Significance.

OMIM
Classification: Pathogenic for MYOFIBROMATOSIS, INFANTILE, 1. Last evaluated: 2013-06-06. Review status: no assertion criteria provided. Collection method: literature only. Allele origin: germline. Not counted in ClinVar's aggregate classification.

Literature cited by the submitters: PubMed 23731542 (cited by Labcorp Genetics (formerly Invitae), Labcorp and OMIM); PubMed 26455322 (cited by Labcorp Genetics (formerly Invitae), Labcorp); PubMed 15054839 (cited by OMIM).

NM_002609.4(PDGFRB):c.1978C>A (p.Pro660Thr)

Gene: PDGFRB (platelet derived growth factor receptor beta; minus strand). Cytogenetic location: 5q32.
Variant type: single nucleotide variant.
Coding change: c.1978C>A on transcript NM_002609.4 (MANE Select); coding-DNA position 1978, C replaced by A.
Protein change: p.Pro660Thr; replaces proline 660 with threonine.
Molecular consequence: missense variant.
Genome position (GRCh38, 1-based): chr5:150,124,295, G>T on the plus strand (C>A on the coding strand, the complement: PDGFRB is on the minus strand). VCF-style: chr5-150124295-G-T. GRCh37 (hg19) VCF-style: chr5-149503858-G-T.
Other names: PDGFRB, PRO660THR (rs144050370); c.1786C>A, p.Pro596Thr (NM_001355016.2); c.1495C>A, p.Pro499Thr (NM_001355017.2); short protein forms P660T, P596T, P499T.
Identifiers: ClinVar variation 55849 (VCV000055849.9), dbSNP rs144050370, ClinGen allele CA143955.